The following is an entry in ClinVar:

NM_000548.5(TSC2):c.2614T>A (p.Ser872Thr)

Gene: TSC2 (TSC complex subunit 2; plus strand). Cytogenetic location: 16p13.3.
Variant type: single nucleotide variant.
Coding change: c.2614T>A on transcript NM_000548.5 (MANE Select); coding-DNA position 2614, T replaced by A.
Protein change: p.Ser872Thr; replaces serine 872 with threonine.
Molecular consequence: missense variant. On other transcripts: non-coding transcript variant (5).
Genome position (GRCh38, 1-based): chr16:2,075,867, T>A. VCF-style: chr16-2075867-T-A. GRCh37 (hg19) VCF-style: chr16-2125868-T-A.
Other names: c.2614T>A, p.Ser872Thr (NM_001370405.1, NM_001406663.1, NM_001406664.1 and 6 more transcripts); c.2704T>A, p.Ser902Thr (NM_001406667.1, NM_001406668.1); c.2503T>A, p.Ser835Thr (NM_001406670.1, NM_001318827.2, NM_001406678.1); c.2602T>A, p.Ser868Thr (NM_001406671.1, NM_001406673.1); c.2467T>A, p.Ser823Thr (NM_001406675.1, NM_001318829.2, NM_001406676.1 and 1 more transcripts); c.2014T>A, p.Ser672Thr (NM_001406685.1, NM_001406686.1, NM_001406687.1 and 6 more transcripts); c.1270T>A, p.Ser424Thr (NM_001406689.1, NM_001406690.1, NM_001406691.1 and 6 more transcripts); c.2647T>A, p.Ser883Thr (NM_001318832.2); and 3 more; short protein forms S672T, S718T, S823T, S872T, S902T, S338T, S424T, S868T.
Identifiers: ClinVar variation 3637206 (VCV003637206.2).

ClinVar aggregate classification (germline): Uncertain significance (1 of 4 stars; one submission).

Conditions:
Tuberous sclerosis 2 (TSC2). Identifiers: Orphanet 805, MedGen C1860707, MONDO:0013199, OMIM 613254.

Submission:

Labcorp Genetics (formerly Invitae), Labcorp
Classification: Uncertain significance for Tuberous sclerosis 2. Last evaluated: 2024-08-14. Review status: criteria provided, single submitter. Criteria: Invitae Variant Classification Sherloc (09022015). Collection method: clinical testing. Allele origin: germline.
Comment: This sequence change replaces serine, which is neutral and polar, with threonine, which is neutral and polar, at codon 872 of the TSC2 protein (p.Ser872Thr). This variant is not present in population databases (gnomAD no frequency). This variant has not been reported in the literature in individuals affected with TSC2-related conditions. Invitae Evidence Modeling of protein sequence and biophysical properties (such as structural, functional, and spatial information, amino acid conservation, physicochemical variation, residue mobility, and thermodynamic stability) indicates that this missense variant is not expected to disrupt TSC2 protein function with a negative predictive value of 95%. In summary, the available evidence is currently insufficient to determine the role of this variant in disease. Therefore, it has been classified as a Variant of Uncertain Significance.